The following is an entry in ClinVar:

ClinVar aggregate classification (germline): Uncertain significance. Review status: criteria provided, multiple submitters, no conflicts (2 of 4 stars). 2 submissions from 2 submitters: Uncertain significance (2). Last evaluated 2025-05-11.

Conditions:
Familial melanoma. Also called: Hereditary melanoma; Hereditary cutaneous melanoma. Identifiers: Orphanet 618, MedGen C1512419, MONDO:0018961.
Hereditary cancer-predisposing syndrome. Also called: Hereditary neoplastic syndrome; Tumor predisposition; Hereditary Cancer Syndrome; Neoplastic Syndromes, Hereditary. Identifiers: Orphanet 140162, MedGen C0027672, MeSH D009386, MONDO:0015356.

Submissions (2):

Ambry Genetics
Classification: Uncertain significance for Hereditary cancer-predisposing syndrome. Last evaluated: 2025-05-11. Review status: criteria provided, single submitter. Criteria: Ambry Variant Classification Scheme 2023. Collection method: clinical testing. Allele origin: germline.
Comment: The p.P234L variant (also known as c.701C>T), located in coding exon 6 of the CDK4 gene, results from a C to T substitution at nucleotide position 701. The proline at codon 234 is replaced by leucine, an amino acid with similar properties. This amino acid position is well conserved in available vertebrate species. In addition, this alteration is predicted to be tolerated by in silico analysis. Since supporting evidence is limited at this time, the clinical significance of this alteration remains unclear.

Labcorp Genetics (formerly Invitae), Labcorp
Classification: Uncertain significance for Familial melanoma. Last evaluated: 2019-11-14. Review status: criteria provided, single submitter. Criteria: Invitae Variant Classification Sherloc (09022015). Collection method: clinical testing. Allele origin: germline.
Comment: In summary, the available evidence is currently insufficient to determine the role of this variant in disease. Therefore, it has been classified as a Variant of Uncertain Significance. Algorithms developed to predict the effect of missense changes on protein structure and function (SIFT, PolyPhen-2, Align-GVGD) all suggest that this variant is likely to be tolerated, but these predictions have not been confirmed by published functional studies and their clinical significance is uncertain. This variant has not been reported in the literature in individuals with CDK4-related conditions. ClinVar contains an entry for this variant (Variation ID: 220677). This variant is not present in population databases (ExAC no frequency). This sequence change replaces proline with leucine at codon 234 of the CDK4 protein (p.Pro234Leu). The proline residue is moderately conserved and there is a moderate physicochemical difference between proline and leucine.

NM_000075.4(CDK4):c.701C>T (p.Pro234Leu)

Genes: CDK4 (cyclin dependent kinase 4; minus strand), TSPAN31 (tetraspanin 31; plus strand). Cytogenetic location: 12q14.1.
Variant type: single nucleotide variant.
Coding change: c.701C>T on transcript NM_000075.4 (MANE Select); coding-DNA position 701, C replaced by T.
Protein change: p.Pro234Leu; replaces proline 234 with leucine.
Molecular consequence: missense variant. On other transcripts: 3 prime UTR variant (3).
Genome position (GRCh38, 1-based): chr12:57,749,300, G>A on the plus strand (C>T on the coding strand, the complement: CDK4 is on the minus strand). VCF-style: chr12-57749300-G-A. GRCh37 (hg19) VCF-style: chr12-58143083-G-A.
Other names: c.*2010G>A (NM_001330168.2, NM_001330169.2, NM_005981.5); short protein forms P234L.
Identifiers: ClinVar variation 220677 (VCV000220677.16), dbSNP rs771702415, ClinGen allele CA348523.